The following is an entry in ClinVar:

NM_015272.5(RPGRIP1L):c.2222A>G (p.Gln741Arg)

Gene: RPGRIP1L (RPGRIP1 like; minus strand). Cytogenetic location: 16q12.2.
Variant type: single nucleotide variant.
Coding change: c.2222A>G on transcript NM_015272.5 (MANE Select); coding-DNA position 2222, A replaced by G.
Protein change: p.Gln741Arg; replaces glutamine 741 with arginine.
Molecular consequence: missense variant.
Genome position (GRCh38, 1-based): chr16:53,649,046, T>C on the plus strand (A>G on the coding strand, the complement: RPGRIP1L is on the minus strand). VCF-style: chr16-53649046-T-C. GRCh37 (hg19) VCF-style: chr16-53682958-T-C.
Other names: c.2222A>G, p.Gln741Arg (NM_001127897.4, NM_001308334.3, NM_001330538.2); short protein forms Q741R.
Identifiers: ClinVar variation 4992441 (VCV004992441.1).

ClinVar aggregate classification (germline): Uncertain significance (1 of 4 stars; one submission).

Conditions:
RPGRIP1L-related disorder. Also called: RPGRIP1L-related disorders; RPGRIP1L-related condition. Identifiers: MedGen CN239416.

Submission:

PreventionGenetics, part of Exact Sciences
Classification: Uncertain significance for RPGRIP1L-related condition. Last evaluated: 2026-04-27. Review status: criteria provided, single submitter. Criteria: ACMG Guidelines, 2015. Collection method: clinical testing. Allele origin: germline.
Comment: The RPGRIP1L c.2222A>G variant is predicted to result in the amino acid substitution p.Gln741Arg. To our knowledge, this variant has not been reported in the literature or in a large population database (gnomAD), indicating this variant is rare. At this time, the clinical significance of this variant is uncertain due to the absence of conclusive functional and genetic evidence.